The following is an entry in ClinVar:

ClinVar aggregate classification (germline): Likely benign. Review status: criteria provided, multiple submitters, no conflicts (2 of 4 stars). 2 submissions from 2 submitters: Likely benign (2). Last evaluated 2026-01-15.

Allele frequency attached by ClinVar (database versions not stated): ExAC 0.00004; gnomAD 0.00004 and 0.00005; ESP Exome Variant Server 0.00008; TOPMed 0.00003.
gnomAD v4.1: 134 of 1,613,938 alleles (0.0083%); highest among the groups gnomAD compares: Non-Finnish European, 0.01%; no homozygotes.

Submissions (2):

Labcorp Genetics (formerly Invitae), Labcorp
Classification: Likely benign. Last evaluated: 2026-01-15. Review status: criteria provided, single submitter. Criteria: Invitae Variant Classification Sherloc (09022015). Collection method: clinical testing. Allele origin: germline.

CeGaT Center for Human Genetics Tuebingen
Classification: Likely benign. Last evaluated: 2025-05-01. Review status: criteria provided, single submitter. Criteria: CeGaT Center For Human Genetics Tuebingen Variant Classification Criteria Version 2. Collection method: clinical testing. Allele origin: germline. Affected: yes. Observed: 2 variant alleles.
Comment: CAD: BP4, BP7

NM_004341.5(CAD):c.5631C>T (p.Ala1877=)

Gene: CAD (carbamoyl-phosphate synthetase 2, aspartate transcarbamylase, and dihydroorotase; plus strand). Cytogenetic location: 2p23.3.
Variant type: single nucleotide variant.
Coding change: c.5631C>T on transcript NM_004341.5 (MANE Select); coding-DNA position 5631, C replaced by T.
Protein change: p.Ala1877=; no amino-acid change (alanine 1877 retained).
Molecular consequence: synonymous variant.
Genome position (GRCh38, 1-based): chr2:27,240,948, C>T. VCF-style: chr2-27240948-C-T. GRCh37 (hg19) VCF-style: chr2-27463816-C-T.
Other names: c.5442C>T, p.Ala1814= (NM_001306079.2).
Identifiers: ClinVar variation 1564017 (VCV001564017.31), dbSNP rs139971049, ClinGen allele CA1573962.